The following is an entry in ClinVar:

ClinVar aggregate classification (germline): Pathogenic (1 of 4 stars; one submission).

Submission:

Labcorp Genetics (formerly Invitae), Labcorp
Classification: Pathogenic. Last evaluated: 2023-04-24. Review status: criteria provided, single submitter. Criteria: Invitae Variant Classification Sherloc (09022015). Collection method: clinical testing. Allele origin: germline.
Comment: This sequence change creates a premature translational stop signal (p.Glu1531*) in the PCDH15 gene. While this is not anticipated to result in nonsense mediated decay, it is expected to disrupt the last 425 amino acid(s) of the PCDH15 protein. This variant is not present in population databases (gnomAD no frequency). This variant has not been reported in the literature in individuals affected with PCDH15-related conditions. ClinVar contains an entry for this variant (Variation ID: 1451260). This variant disrupts a region of the PCDH15 protein in which other variant(s) (p.Ser1534Lysfs*17) have been determined to be pathogenic (Invitae). This suggests that this is a clinically significant region of the protein, and that variants that disrupt it are likely to be disease-causing. For these reasons, this variant has been classified as Pathogenic.

NM_033056.4(PCDH15):c.4591G>T (p.Glu1531Ter)

Gene: PCDH15 (protocadherin related 15; minus strand). Cytogenetic location: 10q21.1.
Variant type: single nucleotide variant.
Coding change: c.4591G>T on transcript NM_033056.4 (MANE Plus Clinical); coding-DNA position 4591, G replaced by T.
Protein change: p.Glu1531Ter; replaces glutamic acid 1531 with a stop codon.
Molecular consequence: nonsense. On other transcripts: intron variant (8).
Genome position (GRCh38, 1-based): chr10:53,823,135, C>A on the plus strand (G>T on the coding strand, the complement: PCDH15 is on the minus strand). VCF-style: chr10-53823135-C-A. GRCh37 (hg19) VCF-style: chr10-55582895-C-A.
Other names: c.4612G>T, p.Glu1538Ter (NM_001142763.2); c.4597G>T, p.Glu1533Ter (NM_001142764.2); c.4384G>T, p.Glu1462Ter (NM_001142765.2); c.4582G>T, p.Glu1528Ter (NM_001142766.2); c.4471G>T, p.Glu1491Ter (NM_001142767.2); c.4531G>T, p.Glu1511Ter (NM_001142768.2); c.4522G>T, p.Glu1508Ter (NM_001142773.2); c.4525G>T, p.Glu1509Ter (NM_001354404.2); and 6 more; short protein forms E1491*, E1508*, E1509*, E1511*, E1528*, E1533*, E1462*, E1531*.
Identifiers: ClinVar variation 1451260 (VCV001451260.6), dbSNP rs867154687, ClinGen allele CA376526998.